The following is an entry in ClinVar:

NM_006180.6(NTRK2):c.2014A>G (p.Ile672Val)

Gene: NTRK2 (neurotrophic receptor tyrosine kinase 2; plus strand). Cytogenetic location: 9q21.33.
Variant type: single nucleotide variant.
Coding change: c.2014A>G on transcript NM_006180.6 (MANE Select); coding-DNA position 2014, A replaced by G.
Protein change: p.Ile672Val; replaces isoleucine 672 with valine.
Molecular consequence: missense variant.
Genome position (GRCh38, 1-based): chr9:84,955,359, A>G. VCF-style: chr9-84955359-A-G. GRCh37 (hg19) VCF-style: chr9-87570274-A-G.
Other names: c.1966A>G, p.Ile656Val (NM_001018064.3, NM_001369532.1, NM_001369533.1); c.1930A>G, p.Ile644Val (NM_001369534.1); c.1498A>G, p.Ile500Val (NM_001369535.1); c.1546A>G, p.Ile516Val (NM_001369536.1); c.2014A>G, p.Ile672Val (NM_001381928.1); short protein forms I644V, I500V, I516V, I656V, I672V.
Identifiers: ClinVar variation 2785418 (VCV002785418.3), dbSNP rs2132974674, ClinGen allele CA374010050.

ClinVar aggregate classification (germline): Uncertain significance (1 of 4 stars; one submission).

Submission:

Labcorp Genetics (formerly Invitae), Labcorp
Classification: Uncertain significance. Last evaluated: 2023-02-09. Review status: criteria provided, single submitter. Criteria: Invitae Variant Classification Sherloc (09022015). Collection method: clinical testing. Allele origin: germline.
Comment: This sequence change replaces isoleucine, which is neutral and non-polar, with valine, which is neutral and non-polar, at codon 672 of the NTRK2 protein (p.Ile672Val). This variant is not present in population databases (gnomAD no frequency). This variant has not been reported in the literature in individuals affected with NTRK2-related conditions. Advanced modeling of protein sequence and biophysical properties (such as structural, functional, and spatial information, amino acid conservation, physicochemical variation, residue mobility, and thermodynamic stability) performed at Invitae indicates that this missense variant is not expected to disrupt NTRK2 protein function. In summary, the available evidence is currently insufficient to determine the role of this variant in disease. Therefore, it has been classified as a Variant of Uncertain Significance.